The following is an entry in ClinVar:

ClinVar aggregate classification (germline): Uncertain significance (1 of 4 stars; one submission).

Conditions:
Inborn genetic diseases. Identifiers: MedGen C0950123, MeSH D030342.

Submission:

Ambry Genetics
Classification: Uncertain significance for Inborn genetic diseases. Last evaluated: 2026-07-12. Review status: criteria provided, single submitter. Criteria: Ambry Variant Classification Scheme 2023. Collection method: clinical testing. Allele origin: germline.
Comment: The p.Q865R variant (also known as c.2594A>G), located in coding exon 10 of the MECOM gene, results from an A to G substitution at nucleotide position 2594. The glutamine at codon 865 is replaced by arginine, an amino acid with highly similar properties. This amino acid position is conserved. In addition, the in silico prediction for this alteration is inconclusive. Based on the available evidence, the clinical significance of this variant remains unclear.

NM_004991.4(MECOM):c.2594A>G (p.Gln865Arg)

Gene: MECOM (MDS1 and EVI1 complex locus; minus strand). Cytogenetic location: 3q26.2.
Variant type: single nucleotide variant.
Coding change: c.2594A>G on transcript NM_004991.4 (MANE Select); coding-DNA position 2594, A replaced by G.
Protein change: p.Gln865Arg; replaces glutamine 865 with arginine.
Molecular consequence: missense variant. On other transcripts: intron variant (8).
Genome position (GRCh38, 1-based): chr3:169,107,936, T>C on the plus strand (A>G on the coding strand, the complement: MECOM is on the minus strand). VCF-style: chr3-169107936-T-C. GRCh37 (hg19) VCF-style: chr3-168825724-T-C.
Other names: c.2225A>G, p.Gln742Arg (NM_001105077.4); c.2030A>G, p.Gln677Arg (NM_001105078.4, NM_001205194.2, NM_001366469.2 and 1 more transcripts); c.2033A>G, p.Gln678Arg (NM_001366467.2, NM_001366468.2); c.1605+4851A>G (NM_001366473.2); c.2577+4851A>G (NM_001366466.2); c.1041+4851A>G (NM_001366474.2); c.2013+4851A>G (NM_001164000.2, NM_001366471.2, NM_001366472.2); c.2016+4851A>G (NM_001366470.2, NM_001163999.2); short protein forms Q677R, Q678R, Q742R, Q865R.
Identifiers: ClinVar variation 5024133 (VCV005024133.1).